The following is an entry in ClinVar:

NM_000443.4(ABCB4):c.1691A>G (p.Asp564Gly)

Gene: ABCB4 (ATP binding cassette subfamily B member 4; minus strand). Cytogenetic location: 7q21.12.
Variant type: single nucleotide variant.
Coding change: c.1691A>G on transcript NM_000443.4 (MANE Select); coding-DNA position 1691, A replaced by G.
Protein change: p.Asp564Gly; replaces aspartic acid 564 with glycine.
Molecular consequence: missense variant.
Genome position (GRCh38, 1-based): chr7:87,439,707, T>C on the plus strand (A>G on the coding strand, the complement: ABCB4 is on the minus strand). VCF-style: chr7-87439707-T-C. GRCh37 (hg19) VCF-style: chr7-87069023-T-C.
Other names: c.1691A>G, p.Asp564Gly (NM_018849.3, NM_018850.3); short protein forms D564G.
Identifiers: ClinVar variation 4846421 (VCV004846421.1).
Genomic context (GRCh38, chr7:87,439,707, plus strand): 5'-GCTTTTTAGAGTCTACTGACCTTATCCAGAGCTGCCTGTACCTCAGCTTCACTTTCTGTG[T>C]CCAATGCTGACGTGGCCTCATCCAGCAGAAGGATCTTGGGGTTGCGAACCAGGGCACGTG-3'
Protein context (NP_000434.1, residues 554-574): LLLDEATSAL[Asp564Gly]TESEAEVQAA

ClinVar aggregate classification (germline): Uncertain significance (1 of 4 stars; one submission).

Conditions:
Familial intrahepatic cholestasis. Identifiers: Orphanet 284385, MedGen CN296401, MONDO:0017290.

Submission:

Genomenon, Inc
Classification: Uncertain significance for Familial intrahepatic cholestasis. Last evaluated: 2026-04-14. Review status: criteria provided, single submitter. Criteria: Genomenon Sequence Variant Interpretation Standards - Updated. Collection method: curation. Allele origin: germline. Affected: yes.
Comment: ABCB4 p.Asp564Gly (c.1691A>G) is a missense variant that changes the amino acid at residue 564 from Aspartic acid to Glycine. This variant has been observed in at least one proband with an ABCB4-related disorder (PMID:11313315;37701337). At least one functional study has demonstrated a substantial alteration in protein function relative to the wild-type (PMID:36674751). It is absent or not present at a significant frequency in gnomAD. In silico models predict that this variant is possibly or probably damaging. In conclusion, we classify ABCB4 p.Asp564Gly (c.1691A>G) as a variant of uncertain significance.

Literature cited by the submitters: PubMed 11313315; PubMed 37701337; PubMed 36674751.